The following is an entry in ClinVar:

ClinVar aggregate classification (germline): Uncertain significance. Review status: criteria provided, multiple submitters, no conflicts (2 of 4 stars). 4 submissions from 4 submitters: Uncertain significance (3). 1 of the submissions does not count toward it. Last evaluated 2024-10-17.

Conditions:
PAPSS2-related disorder. Also called: PAPSS2-related condition.
Spondyloepimetaphyseal dysplasia, PAPSS2 type. Also called: SEMD, PAKISTANI TYPE; BRACHYOLMIA TYPE 4 WITH MILD EPIPHYSEAL AND METAPHYSEAL CHANGES; SPONDYLODYSPLASIA AND PREMATURE PUBARCHE. Identifiers: Orphanet 93282, MedGen C2748516, MONDO:0019666, OMIM 612847.

Allele frequency attached by ClinVar (database versions not stated): gnomAD 0.00014 and 0.00017; TOPMed 0.00015.
gnomAD v4.1: 162 of 1,614,110 alleles (0.01%); highest among the groups gnomAD compares: Middle Eastern, 0.3%; no homozygotes.

Submissions (4):

Blueprint Genetics
Classification: Uncertain significance. Last evaluated: 2024-10-17. Review status: criteria provided, single submitter. Criteria: ACMG Guidelines, 2015. Collection method: clinical testing. Allele origin: germline.

Labcorp Genetics (formerly Invitae), Labcorp
Classification: Uncertain significance for Spondyloepimetaphyseal dysplasia, PAPSS2 type. Last evaluated: 2022-07-12. Review status: criteria provided, single submitter. Criteria: Invitae Variant Classification Sherloc (09022015). Collection method: clinical testing. Allele origin: germline.
Comment: This sequence change replaces arginine, which is basic and polar, with cysteine, which is neutral and slightly polar, at codon 431 of the PAPSS2 protein (p.Arg431Cys). This variant is present in population databases (rs529057056, gnomAD 0.02%). This variant has not been reported in the literature in individuals affected with PAPSS2-related conditions. ClinVar contains an entry for this variant (Variation ID: 1357072). Algorithms developed to predict the effect of missense changes on protein structure and function are either unavailable or do not agree on the potential impact of this missense change (SIFT: "Deleterious"; PolyPhen-2: "Possibly Damaging"; Align-GVGD: "Class C0"). In summary, the available evidence is currently insufficient to determine the role of this variant in disease. Therefore, it has been classified as a Variant of Uncertain Significance.

Breakthrough Genomics
Classification: Uncertain significance. Review status: criteria provided, single submitter. Criteria: ACMG Guidelines, 2015. Collection method: not provided. Allele origin: germline. Inheritance: Autosomal recessive inheritance. Affected: yes.

PreventionGenetics, part of Exact Sciences
Classification: Uncertain significance for PAPSS2-related condition. Last evaluated: 2023-12-04. Review status: no assertion criteria provided. Collection method: clinical testing. Allele origin: germline. Not counted in ClinVar's aggregate classification.
Comment: The PAPSS2 c.1276C>T variant is predicted to result in the amino acid substitution p.Arg426Cys. To our knowledge, this variant has not been reported in the literature. This variant is reported in 0.019% of alleles in individuals of European (Non-Finnish) descent in gnomAD. At this time, the clinical significance of this variant is uncertain due to the absence of conclusive functional and genetic evidence.

NM_001015880.2(PAPSS2):c.1291C>T (p.Arg431Cys)

Gene: PAPSS2 (3'-phosphoadenosine 5'-phosphosulfate synthase 2; plus strand). Cytogenetic location: 10q23.31.
Variant type: single nucleotide variant.
Coding change: c.1291C>T on transcript NM_001015880.2 (MANE Select); coding-DNA position 1291, C replaced by T.
Protein change: p.Arg431Cys; replaces arginine 431 with cysteine.
Molecular consequence: missense variant.
Genome position (GRCh38, 1-based): chr10:87,743,441, C>T. VCF-style: chr10-87743441-C-T. GRCh37 (hg19) VCF-style: chr10-89503198-C-T.
Other names: c.1276C>T, p.Arg426Cys (NM_004670.4); c.1276C>T (NM_004670.3); short protein forms R426C, R431C.
Identifiers: ClinVar variation 1357072 (VCV001357072.7), dbSNP rs529057056, ClinGen allele CA5589712.